The following is an entry in ClinVar:

ClinVar aggregate classification (germline): Conflicting classifications of pathogenicity. Review status: criteria provided, conflicting classifications (1 of 4 stars). 2 submissions from 2 submitters: Likely pathogenic (1); Uncertain significance (1). Last evaluated 2022-06-22.

Conditions:
IFT140-related disorders.
Saldino-Mainzer syndrome (SRTD9). Also called: SHORT-RIB THORACIC DYSPLASIA 9 WITHOUT POLYDACTYLY; Renal dysplasia, retinal pigmentary dystrophy, cerebellar ataxia and skeletal dysplasia; CONORENAL SYNDROME; short-rib thoracic dysplasia 9 with or without polydactyly. Identifiers: Orphanet 140969, MedGen C1849437, MONDO:0009964, OMIM 266920.

Allele frequency attached by ClinVar (database versions not stated): ExAC 0.00002.
gnomAD v4.1: 23 of 1,613,820 alleles (0.0014%); highest among the groups gnomAD compares: Middle Eastern, 0.017%; no homozygotes.

Submissions (2):

Labcorp Genetics (formerly Invitae), Labcorp
Classification: Uncertain significance for Saldino-Mainzer syndrome. Last evaluated: 2022-06-22. Review status: criteria provided, single submitter. Criteria: Invitae Variant Classification Sherloc (09022015). Collection method: clinical testing. Allele origin: germline.
Comment: In summary, the available evidence is currently insufficient to determine the role of this variant in disease. Therefore, it has been classified as a Variant of Uncertain Significance. Algorithms developed to predict the effect of missense changes on protein structure and function are either unavailable or do not agree on the potential impact of this missense change (SIFT: "Tolerated"; PolyPhen-2: "Possibly Damaging"; Align-GVGD: "Class C0"). This missense change has been observed in individual(s) with IFT140-related conditions (PMID: 26216056). In at least one individual the data is consistent with being in trans (on the opposite chromosome) from a pathogenic variant. This variant is present in population databases (rs751323480, gnomAD 0.01%). This sequence change replaces glutamic acid, which is acidic and polar, with lysine, which is basic and polar, at codon 790 of the IFT140 protein (p.Glu790Lys).

Blueprint Genetics
Classification: Likely pathogenic for IFT140-related disorders. Last evaluated: 2020-12-30. Review status: criteria provided, single submitter. Criteria: ACMG Guidelines, 2015. Collection method: clinical testing. Allele origin: germline. Affected: yes. Observed: 2 variant alleles.

Literature cited by the submitters: PubMed 26216056 (cited by Labcorp Genetics (formerly Invitae), Labcorp).

NM_014714.4(IFT140):c.2368G>A (p.Glu790Lys)

Gene: IFT140 (intraflagellar transport 140; minus strand). Cytogenetic location: 16p13.3.
Variant type: single nucleotide variant.
Coding change: c.2368G>A on transcript NM_014714.4 (MANE Select); coding-DNA position 2368, G replaced by A.
Protein change: p.Glu790Lys; replaces glutamic acid 790 with lysine.
Molecular consequence: missense variant.
Genome position (GRCh38, 1-based): chr16:1,557,966, C>T on the plus strand (G>A on the coding strand, the complement: IFT140 is on the minus strand). VCF-style: chr16-1557966-C-T. GRCh37 (hg19) VCF-style: chr16-1607967-C-T.
Other names: short protein forms E790K.
Identifiers: ClinVar variation 2137757 (VCV002137757.5), dbSNP rs751323480, ClinGen allele CA7813927.
Genomic context (GRCh38, chr16:1,557,966, plus strand): 5'-CCCAACATCCCAGTGGTCGGGATCCTCACCTTTTGATGAGCTTGATGGATTTGAAGGCTT[C>T]GTCCATGTCTCCTATGGTGACAAAGAAGCTGAAGTGGAGCATGGCGTCCCGGGTGGCCTT-3'
Protein context (NP_055529.2, residues 780-800): SFFVTIGDMD[Glu790Lys]AFKSIKLIKS